The following is an entry in ClinVar:

ClinVar aggregate classification (germline): Uncertain significance (1 of 4 stars; one submission).

Conditions:
Mosaic variegated aneuploidy syndrome 1 (MVA1). Also called: Warburton-Anyane-Yeboa syndrome. Identifiers: Orphanet 1052, MedGen C1850343, MONDO:0009759, OMIM 257300.

Allele frequency attached by ClinVar (database versions not stated): gnomAD exomes 0.00001 and 0.00002; ExAC 0.00002.

Submission:

Labcorp Genetics (formerly Invitae), Labcorp
Classification: Uncertain significance for Mosaic variegated aneuploidy syndrome 1. Last evaluated: 2023-02-16. Review status: criteria provided, single submitter. Criteria: Invitae Variant Classification Sherloc (09022015). Collection method: clinical testing. Allele origin: germline.
Comment: In summary, the available evidence is currently insufficient to determine the role of this variant in disease. Therefore, it has been classified as a Variant of Uncertain Significance. An algorithm developed to predict the effect of missense changes on protein structure and function (PolyPhen-2) suggests that this variant is likely to be disruptive. ClinVar contains an entry for this variant (Variation ID: 1484268). This variant has not been reported in the literature in individuals affected with BUB1B-related conditions. This variant is present in population databases (rs761819521, gnomAD 0.01%). This sequence change replaces tyrosine, which is neutral and polar, with histidine, which is basic and polar, at codon 155 of the BUB1B protein (p.Tyr155His).

NM_001211.6(BUB1B):c.463T>C (p.Tyr155His)

Gene: BUB1B (BUB1 mitotic checkpoint serine/threonine kinase B; plus strand). Cytogenetic location: 15q15.1.
Variant type: single nucleotide variant.
Coding change: c.463T>C on transcript NM_001211.6 (MANE Select); coding-DNA position 463, T replaced by C.
Protein change: p.Tyr155His; replaces tyrosine 155 with histidine.
Molecular consequence: missense variant.
Genome position (GRCh38, 1-based): chr15:40,176,555, T>C. VCF-style: chr15-40176555-T-C. GRCh37 (hg19) VCF-style: chr15-40468756-T-C.
Other names: short protein forms Y155H.
Identifiers: ClinVar variation 1484268 (VCV001484268.8), dbSNP rs761819521, ClinGen allele CA7475489.